The following is an entry in ClinVar:

NM_000553.6(WRN):c.296T>C (p.Leu99Pro)

Gene: WRN (WRN RecQ like helicase; plus strand). Cytogenetic location: 8p12.
Variant type: single nucleotide variant.
Coding change: c.296T>C on transcript NM_000553.6 (MANE Select); coding-DNA position 296, T replaced by C.
Protein change: p.Leu99Pro; replaces leucine 99 with proline.
Molecular consequence: missense variant.
Genome position (GRCh38, 1-based): chr8:31,064,375, T>C. VCF-style: chr8-31064375-T-C. GRCh37 (hg19) VCF-style: chr8-30921891-T-C.
Other names: short protein forms L99P.
Identifiers: ClinVar variation 1448927 (VCV001448927.6), dbSNP rs1190256514, ClinGen allele CA370914254.

ClinVar aggregate classification (germline): Uncertain significance (1 of 4 stars; one submission).

Conditions:
Werner syndrome (WRN). Identifiers: Orphanet 902, MedGen C0043119, MONDO:0010196, OMIM 277700.

Allele frequency attached by ClinVar (database versions not stated): gnomAD exomes below 0.00001.
gnomAD v4.1: 1 of 1,614,180 alleles (0.000062%); highest among the groups gnomAD compares: East Asian, 0.0022%; no homozygotes.

Submission:

Labcorp Genetics (formerly Invitae), Labcorp
Classification: Uncertain significance for Werner syndrome. Last evaluated: 2021-12-14. Review status: criteria provided, single submitter. Criteria: Invitae Variant Classification Sherloc (09022015). Collection method: clinical testing. Allele origin: germline.
Comment: In summary, the available evidence is currently insufficient to determine the role of this variant in disease. Therefore, it has been classified as a Variant of Uncertain Significance. Algorithms developed to predict the effect of missense changes on protein structure and function are either unavailable or do not agree on the potential impact of this missense change (SIFT: "Not Available"; PolyPhen-2: "Probably Damaging"; Align-GVGD: "Not Available"). This variant has not been reported in the literature in individuals affected with WRN-related conditions. This variant is present in population databases (no rsID available, gnomAD 0.006%). This sequence change replaces leucine, which is neutral and non-polar, with proline, which is neutral and non-polar, at codon 99 of the WRN protein (p.Leu99Pro).